The following is an entry in ClinVar:

NM_033004.4(NLRP1):c.2678G>C (p.Ser893Thr)

Gene: NLRP1 (NLR family pyrin domain containing 1; minus strand). Cytogenetic location: 17p13.2.
Variant type: single nucleotide variant.
Coding change: c.2678G>C on transcript NM_033004.4 (MANE Select); coding-DNA position 2678, G replaced by C.
Protein change: p.Ser893Thr; replaces serine 893 with threonine.
Molecular consequence: missense variant.
Genome position (GRCh38, 1-based): chr17:5,541,878, C>G on the plus strand (G>C on the coding strand, the complement: NLRP1 is on the minus strand). VCF-style: chr17-5541878-C-G. GRCh37 (hg19) VCF-style: chr17-5445198-C-G.
Other names: c.2678G>C, p.Ser893Thr (NM_001033053.3, NM_014922.5, NM_033006.4 and 1 more transcripts); short protein forms S893T.
Identifiers: ClinVar variation 4770531 (VCV004770531.1).
Genomic context (GRCh38, chr17:5,541,878, plus strand): 5'-AGTTCCCTCCACCTCCCCCTGCCCACCAAGAACAATTACTGCAGTCGCTGTAGCTTGCAG[C>G]TCGGCTGTCTCAGTCTCTGGCAAAGGTGTTTGGCTCCAGCATCCGTGAGCACATTGAAGC-3'
Protein context (NP_127497.1, residues 883-903): KHLCQRLRQP[Ser893Thr]CKLQRLQLVS

ClinVar aggregate classification (germline): Uncertain significance (1 of 4 stars; one submission).

gnomAD v4.1: 4 of 1,614,050 alleles (0.00025%); highest among the groups gnomAD compares: Middle Eastern, 0.016%; no homozygotes.

Submission:

Labcorp Genetics (formerly Invitae), Labcorp
Classification: Uncertain significance. Last evaluated: 2025-09-05. Review status: criteria provided, single submitter. Criteria: Invitae Variant Classification Sherloc (09022015). Collection method: clinical testing. Allele origin: germline.
Comment: This sequence change replaces serine, which is neutral and polar, with threonine, which is neutral and polar, at codon 893 of the NLRP1 protein (p.Ser893Thr). This variant is not present in population databases (gnomAD no frequency). This variant has not been reported in the literature in individuals affected with NLRP1-related conditions. An algorithm developed to predict the effect of missense changes on protein structure and function outputs the following: PolyPhen-2: "Benign". The threonine amino acid residue is found in multiple mammalian species, which suggests that this missense change does not adversely affect protein function. In summary, the available evidence is currently insufficient to determine the role of this variant in disease. Therefore, it has been classified as a Variant of Uncertain Significance.